The following is an entry in ClinVar:

NM_015627.3(LDLRAP1):c.346A>C (p.Ile116Leu)

Gene: LDLRAP1 (low density lipoprotein receptor adaptor protein 1; plus strand). Cytogenetic location: 1p36.11.
Variant type: single nucleotide variant.
Coding change: c.346A>C on transcript NM_015627.3 (MANE Select); coding-DNA position 346, A replaced by C.
Protein change: p.Ile116Leu; replaces isoleucine 116 with leucine.
Molecular consequence: missense variant.
Genome position (GRCh38, 1-based): chr1:25,557,154, A>C. VCF-style: chr1-25557154-A-C. GRCh37 (hg19) VCF-style: chr1-25883645-A-C.
Other names: short protein forms I116L.
Identifiers: ClinVar variation 4097184 (VCV004097184.2).

ClinVar aggregate classification (germline): Uncertain significance (1 of 4 stars; one submission).

Conditions:
Cardiovascular phenotype. Identifiers: MedGen CN230736.

gnomAD v4.1: 11 of 1,612,782 alleles (0.00068%); highest among the groups gnomAD compares: Admixed American, 0.015%; no homozygotes.

Submission:

Ambry Genetics
Classification: Uncertain significance for Cardiovascular phenotype. Last evaluated: 2026-07-07. Review status: criteria provided, single submitter. Criteria: Ambry Variant Classification Scheme 2023. Collection method: clinical testing. Allele origin: germline.
Comment: The p.I116L variant (also known as c.346A>C), located in coding exon 4 of the LDLRAP1 gene, results from an A to C substitution at nucleotide position 346. The isoleucine at codon 116 is replaced by leucine, an amino acid with highly similar properties. This amino acid position is highly conserved in available vertebrate species. In addition, the in silico prediction for this alteration is inconclusive. Based on the available evidence, the clinical significance of this variant remains unclear.